The following is an entry in ClinVar:

ClinVar aggregate classification (germline): Uncertain significance (1 of 4 stars; one submission).

Conditions:
Welander distal myopathy (WDM). Also called: MUSCULAR DYSTROPHY, DISTAL, LATE-ONSET, AUTOSOMAL DOMINANT; Gower's muscular dystrophy; Welander distal myopathy, Swedish type; Distal myopathy, Swedish type. Identifiers: Orphanet 603, MedGen C0221054, MONDO:0011466, OMIM 604454.

gnomAD v4.1: 6 of 1,568,132 alleles (0.00038%); highest among the groups gnomAD compares: Admixed American, 0.0021%; no homozygotes.

Submission:

Labcorp Genetics (formerly Invitae), Labcorp
Classification: Uncertain significance for Welander distal myopathy. Last evaluated: 2024-06-25. Review status: criteria provided, single submitter. Criteria: Invitae Variant Classification Sherloc (09022015). Collection method: clinical testing. Allele origin: germline.
Comment: This sequence change replaces arginine, which is basic and polar, with tryptophan, which is neutral and slightly polar, at codon 255 of the TIA1 protein (p.Arg255Trp). This variant is present in population databases (no rsID available, gnomAD 0.004%). This variant has not been reported in the literature in individuals affected with TIA1-related conditions. An algorithm developed to predict the effect of missense changes on protein structure and function (PolyPhen-2) suggests that this variant is likely to be disruptive. In summary, the available evidence is currently insufficient to determine the role of this variant in disease. Therefore, it has been classified as a Variant of Uncertain Significance.

NM_022173.4(TIA1):c.763C>T (p.Arg255Trp)

Gene: TIA1 (TIA1 cytotoxic granule associated RNA binding protein; minus strand). Cytogenetic location: 2p13.3.
Variant type: single nucleotide variant.
Coding change: c.763C>T on transcript NM_022173.4 (MANE Select); coding-DNA position 763, C replaced by T.
Protein change: p.Arg255Trp; replaces arginine 255 with tryptophan.
Molecular consequence: missense variant. On other transcripts: non-coding transcript variant (17).
Genome position (GRCh38, 1-based): chr2:70,216,209, G>A on the plus strand (C>T on the coding strand, the complement: TIA1 is on the minus strand). VCF-style: chr2-70216209-G-A. GRCh37 (hg19) VCF-style: chr2-70443341-G-A.
Other names: c.763C>T, p.Arg255Trp (NM_001351508.2, NM_001351516.2); c.736C>T, p.Arg246Trp (NM_001351509.2); c.730C>T, p.Arg244Trp (NM_001351510.2, NM_022037.4); c.652C>T, p.Arg218Trp (NM_001351511.1); c.625C>T, p.Arg209Trp (NM_001351512.1); c.619C>T, p.Arg207Trp (NM_001351513.1); c.535C>T, p.Arg179Trp (NM_001351514.2); c.460C>T, p.Arg154Trp (NM_001351515.2); and 1 more; short protein forms R179W, R218W, R246W, R115W, R154W, R207W, R255W, R209W.
Identifiers: ClinVar variation 3704311 (VCV003704311.2).
Genomic context (GRCh38, chr2:70,216,209, plus strand): 5'-TTTTCTGGTTTTCCAGTTACATTACCAAGAAAAATGTTTTTTTAAAAAACCATCCCTACC[G>A]AACAAATGAATATCCTTTATCTGGAAAGACTCGAATTTCCATTATTTGTCCAAATGGTGA-3'
Protein context (NP_071505.2, residues 245-265): VFPDKGYSFV[Arg255Trp]FNSHESAAHA